The following is an entry in ClinVar:

ClinVar aggregate classification (germline): Uncertain significance (1 of 4 stars; one submission).

Conditions:
Long QT syndrome (LQTS). Identifiers: MedGen C0023976, MeSH D008133, MONDO:0002442. Disease mechanism: loss of function. Inheritance: Various modes of inheritance.

gnomAD v4.1: 1 of 1,612,342 alleles (0.000062%); highest among the groups gnomAD compares: Non-Finnish European, 0.000085%; no homozygotes.

Submission:

Labcorp Genetics (formerly Invitae), Labcorp
Classification: Uncertain significance for Long QT syndrome. Last evaluated: 2025-08-01. Review status: criteria provided, single submitter. Criteria: Invitae Variant Classification Sherloc (09022015). Collection method: clinical testing. Allele origin: germline.
Comment: This sequence change replaces glutamine, which is neutral and polar, with lysine, which is basic and polar, at codon 1992 of the AKAP9 protein (p.Gln1992Lys). This variant is not present in population databases (gnomAD no frequency). This variant has not been reported in the literature in individuals affected with AKAP9-related conditions. An algorithm developed to predict the effect of missense changes on protein structure and function (PolyPhen-2) suggests that this variant is likely to be tolerated. In summary, the available evidence is currently insufficient to determine the role of this variant in disease. Therefore, it has been classified as a Variant of Uncertain Significance.

NM_005751.5(AKAP9):c.5974C>A (p.Gln1992Lys)

Gene: AKAP9 (A-kinase anchoring protein 9; plus strand). Cytogenetic location: 7q21.2.
Variant type: single nucleotide variant.
Coding change: c.5974C>A on transcript NM_005751.5 (MANE Select); coding-DNA position 5974, C replaced by A.
Protein change: p.Gln1992Lys; replaces glutamine 1992 with lysine.
Molecular consequence: missense variant.
Genome position (GRCh38, 1-based): chr7:92,062,483, C>A. VCF-style: chr7-92062483-C-A. GRCh37 (hg19) VCF-style: chr7-91691797-C-A.
Other names: c.619C>A, p.Gln207Lys (NM_001379277.1); c.5974C>A, p.Gln1992Lys (NM_147185.3); short protein forms Q1992K, Q207K.
Identifiers: ClinVar variation 4753532 (VCV004753532.1).